The following is an entry in ClinVar:

ClinVar aggregate classification (germline): Uncertain significance. Review status: criteria provided, multiple submitters, no conflicts (2 of 4 stars). 3 submissions from 3 submitters: Uncertain significance (3). Last evaluated 2025-02-26.

Conditions:
Inborn genetic diseases. Identifiers: MedGen C0950123, MeSH D030342.
Glycogen storage disease IXc (GSD9C). Also called: GSD IXc. Identifiers: Orphanet 264580, MedGen C2751643, MONDO:0013091, OMIM 613027.

Allele frequency attached by ClinVar (database versions not stated): gnomAD exomes 0.00003 and 0.00007; ESP Exome Variant Server 0.00008; ExAC 0.00011; 1000 Genomes Project 30x 0.00016; 1000 Genomes Project 0.00020; TOPMed 0.00033.
gnomAD v4.1: 100 of 1,614,102 alleles (0.0062%); highest among the groups gnomAD compares: African/African-American, 0.088%; 1 homozygote.

Submissions (3):

Mayo Clinic Laboratories, Mayo Clinic
Classification: Uncertain significance. Last evaluated: 2025-02-26. Review status: criteria provided, single submitter. Criteria: ACMG Guidelines, 2015. Collection method: clinical testing. Allele origin: germline. Observed: 1 variant allele.
Comment: BP4

Ambry Genetics
Classification: Uncertain significance for Inborn genetic diseases. Last evaluated: 2021-09-27. Review status: criteria provided, single submitter. Criteria: Ambry Variant Classification Scheme 2023. Collection method: clinical testing. Allele origin: germline.

Baylor Genetics
Classification: Uncertain significance for Glycogen storage disease IXc. Last evaluated: 2020-06-03. Review status: criteria provided, single submitter. Criteria: ACMG Guidelines, 2015. Collection method: clinical testing. Allele origin: unknown. Affected: yes.
Comment: This variant was determined to be of uncertain significance according to ACMG Guidelines, 2015 [PMID:25741868].

NM_000294.3(PHKG2):c.985C>T (p.Arg329Trp)

Gene: PHKG2 (phosphorylase kinase catalytic subunit gamma 2; plus strand). Cytogenetic location: 16p11.2.
Variant type: single nucleotide variant.
Coding change: c.985C>T on transcript NM_000294.3 (MANE Select); coding-DNA position 985, C replaced by T.
Protein change: p.Arg329Trp; replaces arginine 329 with tryptophan.
Molecular consequence: missense variant.
Genome position (GRCh38, 1-based): chr16:30,756,861, C>T. VCF-style: chr16-30756861-C-T. GRCh37 (hg19) VCF-style: chr16-30768182-C-T.
Other names: p.Arg329Trp; c.985C>T, p.Arg329Trp (NM_001172432.2); short protein forms R329W.
Identifiers: ClinVar variation 1029779 (VCV001029779.5), dbSNP rs367711698, ClinGen allele CA8013375.